The following is an entry in ClinVar:

ClinVar aggregate classification (germline): Uncertain significance. Review status: criteria provided, multiple submitters, no conflicts (2 of 4 stars). 4 submissions from 4 submitters: Uncertain significance (4). Last evaluated 2025-04-14.

Conditions:
Hereditary cancer-predisposing syndrome. Also called: Neoplastic Syndromes, Hereditary; Hereditary Cancer Syndrome; Tumor predisposition; Hereditary neoplastic syndrome. Identifiers: Orphanet 140162, MedGen C0027672, MeSH D009386, MONDO:0015356.
Familial cancer of breast. Also called: Hereditary breast cancer; BREAST CANCER, FAMILIAL; hereditary breast carcinoma. Identifiers: Orphanet 227535, MedGen C0346153, MONDO:0016419, OMIM 114480. Disease mechanism: loss of function.
Ataxia-telangiectasia syndrome (AT). Also called: LOUIS-BAR SYNDROME; Cerebello-oculocutaneous telangiectasia; Immunodeficiency with ataxia telangiectasia; Ataxia-telangiectasia, complementation group D; AT, COMPLEMENTATION GROUP C; Ataxia-telangiectasia, complementation group E. Identifiers: Orphanet 100, MedGen C0004135, MONDO:0008840, OMIM 208900.

Allele frequency attached by ClinVar (database versions not stated): gnomAD exomes below 0.00001; ExAC 0.00001.
gnomAD v4.1: 1 of 1,614,142 alleles (0.000062%); highest among the groups gnomAD compares: Admixed American, 0.0017%; no homozygotes.

Submissions (4):

Labcorp Genetics (formerly Invitae), Labcorp
Classification: Uncertain significance for Ataxia-telangiectasia syndrome. Last evaluated: 2025-04-14. Review status: criteria provided, single submitter. Criteria: Invitae Variant Classification Sherloc (09022015). Collection method: clinical testing. Allele origin: germline.
Comment: This sequence change replaces methionine, which is neutral and non-polar, with leucine, which is neutral and non-polar, at codon 2503 of the ATM protein (p.Met2503Leu). This variant is present in population databases (rs780931855, gnomAD 0.003%). This variant has not been reported in the literature in individuals affected with ATM-related conditions. ClinVar contains an entry for this variant (Variation ID: 478949). Invitae Evidence Modeling of protein sequence and biophysical properties (such as structural, functional, and spatial information, amino acid conservation, physicochemical variation, residue mobility, and thermodynamic stability) indicates that this missense variant is not expected to disrupt ATM protein function with a negative predictive value of 95%. In summary, the available evidence is currently insufficient to determine the role of this variant in disease. Therefore, it has been classified as a Variant of Uncertain Significance.

Ambry Genetics
Classification: Uncertain significance for Hereditary cancer-predisposing syndrome. Last evaluated: 2024-05-13. Review status: criteria provided, single submitter. Criteria: Ambry Variant Classification Scheme 2023. Collection method: clinical testing. Allele origin: germline.
Comment: The p.M2503L variant (also known as c.7507A>T), located in coding exon 49 of the ATM gene, results from an A to T substitution at nucleotide position 7507. The methionine at codon 2503 is replaced by leucine, an amino acid with highly similar properties. This amino acid position is well conserved in available vertebrate species. In addition, this alteration is predicted to be tolerated by in silico analysis. Since supporting evidence is limited at this time, the clinical significance of this alteration remains unclear.

GeneDx
Classification: Uncertain significance. Last evaluated: 2023-10-20. Review status: criteria provided, single submitter. Criteria: GeneDx Variant Classification Process June 2021. Collection method: clinical testing. Allele origin: germline. Affected: yes.
Comment: Not observed at significant frequency in large population cohorts (gnomAD); In silico analysis supports that this missense variant does not alter protein structure/function; Has not been previously published as pathogenic or benign to our knowledge; This variant is associated with the following publications: (PMID: 23532176)

Fulgent Genetics
Classification: Uncertain significance for Familial cancer of breast; Ataxia-telangiectasia syndrome. Last evaluated: 2018-10-31. Review status: criteria provided, single submitter. Criteria: ACMG Guidelines, 2015. Collection method: clinical testing. Allele origin: unknown.

NM_000051.4(ATM):c.7507A>T (p.Met2503Leu)

Genes: ATM (ATM serine/threonine kinase; plus strand), C11orf65 (chromosome 11 open reading frame 65; minus strand). Cytogenetic location: 11q22.3.
Variant type: single nucleotide variant.
Coding change: c.7507A>T on transcript NM_000051.4 (MANE Select); coding-DNA position 7507, A replaced by T.
Protein change: p.Met2503Leu; replaces methionine 2503 with leucine.
Molecular consequence: missense variant. On other transcripts: intron variant (2).
Genome position (GRCh38, 1-based): chr11:108,330,413, A>T. VCF-style: chr11-108330413-A-T. GRCh37 (hg19) VCF-style: chr11-108201140-A-T.
Other names: c.7507A>T, p.Met2503Leu (NM_001351834.2); c.641-21342T>A (NM_001330368.2); c.*38+4807T>A (NM_001351110.2); short protein forms M2503L.
Identifiers: ClinVar variation 478949 (VCV000478949.15), dbSNP rs780931855, ClinGen allele CA6266118.